The following is an entry in ClinVar:

ClinVar aggregate classification (germline): Benign. Review status: reviewed by expert panel (3 of 4 stars). 48 submissions from 48 submitters: Benign (1). 47 of the submissions do not count toward it. Last evaluated 2015-08-10.
ClinVar aggregate classification (somatic clinical impact): Tier IV - Benign/Likely benign (0 of 4 stars; one submission).

Conditions:
Breast-ovarian cancer, familial, susceptibility to, 1 (BROVCA1). Also called: BRCA1 Hereditary Breast and Ovarian Cancer; OVARIAN CANCER, SUSCEPTIBILITY TO. Identifiers: Orphanet 145, MedGen C2676676, MONDO:0011450, OMIM 604370. Disease mechanism: loss of function.
Fanconi anemia, complementation group S (FANCS). Identifiers: MedGen C4554406, MONDO:0054748, OMIM 617883.
Pancreatic cancer, susceptibility to, 4. Identifiers: Orphanet 1333, MedGen C3280442, MONDO:0013685, OMIM 614320.
Familial cancer of breast. Also called: Hereditary breast cancer; BREAST CANCER, FAMILIAL; hereditary breast carcinoma. Identifiers: Orphanet 227535, MedGen C0346153, MONDO:0016419, OMIM 114480. Disease mechanism: loss of function.
Hereditary cancer-predisposing syndrome. Also called: Neoplastic Syndromes, Hereditary; Tumor predisposition; Hereditary Cancer Syndrome; Hereditary neoplastic syndrome. Identifiers: Orphanet 140162, MedGen C0027672, MeSH D009386, MONDO:0015356.
Breast ductal adenocarcinoma. Also called: Ductal breast carcinoma; Breast cancer, invasive ductal. Identifiers: MedGen C1527349, MONDO:0005590.
Hereditary breast ovarian cancer syndrome. Also called: Hereditary breast and ovarian cancer; Hereditary breast and ovarian cancer syndrome; Hereditary breast and ovarian cancer syndrome (HBOC); Hereditary breast and/or ovarian cancer syndrome; Breast and ovarian cancer; BRCA1- and BRCA2-Associated Hereditary Breast and Ovarian Cancer. Identifiers: Orphanet 145, MedGen C0677776, MeSH D061325, MONDO:0003582. Disease mechanism: loss of function.
Malignant tumor of breast. Also called: Malignant breast neoplasm; Cancer breast. Identifiers: MedGen C0006142, MONDO:0007254. Disease mechanism: loss of function.

Allele frequency attached by ClinVar (database versions not stated): 1000 Genomes Project 0.02177; gnomAD exomes 0.05628 and 0.04651; 1000 Genomes Project 30x 0.02217; TOPMed 0.04134; gnomAD 0.04564 and 0.04695; ESP Exome Variant Server 0.04590; ExAC 0.04407.
gnomAD v4.1: 88,872 of 1,614,048 alleles (5.5%); highest among the groups gnomAD compares: Non-Finnish European, 6.3%; 2,838 homozygotes.

Submissions 1 to 16 of 49:

Evidence-based Network for the Interpretation of Germline Mutant Alleles (ENIGMA)
Classification: Benign for Breast-ovarian cancer, familial 1. Last evaluated: 2015-08-10. Review status: reviewed by expert panel. Criteria: ENIGMA BRCA1/2 Classification Criteria (2015). Collection method: curation. Allele origin: germline.
Comment: IARC class based on posterior probability from multifactorial likelihood analysis, thresholds for class as per Plon et al. 2008 (PMID: 18951446). Class 1 based on posterior probability = 0.00000000000204. Also class 1 based on frequency >1% in an outbred sampleset. Frequency 0.05409 (European), derived from 1000 genomes (2012-04-30).

Labcorp Genetics (formerly Invitae), Labcorp
Classification: Benign for Hereditary breast ovarian cancer syndrome. Last evaluated: 2026-02-04. Review status: criteria provided, single submitter. Criteria: Invitae Variant Classification Sherloc (09022015). Collection method: clinical testing. Allele origin: germline. Not counted in ClinVar's aggregate classification.

Dasa
Classification: Benign for Breast-ovarian cancer, familial, susceptibility to, 1. Last evaluated: 2025-12-29. Review status: criteria provided, single submitter. Criteria: DASA Assertion Criteria. Collection method: clinical testing. Allele origin: germline. Not counted in ClinVar's aggregate classification.
Comment: NM_007294.4(BRCA1):c.1067A>G (p.Gln356Arg) is a missense variant that results in the substitution of glutamine with arginine. Population frequency is inconsistent with a disease-causing role for this variant, observations in unaffected individuals support a benign interpretation, and functional evidence is consistent with no deleterious impact on the gene or gene product. Therefore, based on the currently available evidence, this variant is classified as benign.

CeGaT Center for Human Genetics Tuebingen
Classification: Benign. Last evaluated: 2025-09-01. Review status: criteria provided, single submitter. Criteria: CeGaT Center For Human Genetics Tuebingen Variant Classification Criteria Version 2. Collection method: clinical testing. Allele origin: germline. Affected: yes. Observed: 1 variant allele. Not counted in ClinVar's aggregate classification.
Comment: BRCA1: BP4, BS1, BS2

ARUP Laboratories, Molecular Genetics and Genomics, ARUP Laboratories
Classification: Benign. Last evaluated: 2025-07-29. Review status: criteria provided, single submitter. Criteria: ARUP Molecular Germline Variant Investigation Process 2024. Collection method: clinical testing. Allele origin: germline. Not counted in ClinVar's aggregate classification.

Center for Genomic Medicine, Rigshospitalet, Copenhagen University Hospital
Classification: Benign. Last evaluated: 2025-03-04. Review status: criteria provided, single submitter. Criteria: ACMG Guidelines, 2015. Collection method: clinical testing. Allele origin: germline. Not counted in ClinVar's aggregate classification.

Blueprint Genetics
Classification: Benign. Last evaluated: 2024-11-28. Review status: criteria provided, single submitter. Criteria: ACMG Guidelines, 2015. Collection method: clinical testing. Allele origin: germline. Not counted in ClinVar's aggregate classification.

All of Us Research Program, National Institutes of Health
Classification: Benign for Breast-ovarian cancer, familial, susceptibility to, 1. Last evaluated: 2024-02-05. Review status: criteria provided, single submitter. Criteria: ACMG Guidelines, 2015. Collection method: clinical testing. Allele origin: germline. Inheritance: Autosomal dominant inheritance. Observed: 11,904 variant alleles, 11,489 heterozygotes, 415 homozygotes. Not counted in ClinVar's aggregate classification.
Comment: This study involves interpretation of variants in research participants for the purpose of population health screening. Participant phenotype was not available at the time of variant classification. Additional details can be found in publication PMID: 35346344, PMCID: PMC8962531

KCCC/NGS Laboratory, Kuwait Cancer Control Center
Classification: Benign for Breast-ovarian cancer, familial, susceptibility to, 1. Last evaluated: 2023-07-07. Review status: criteria provided, single submitter. Criteria: ACMG Guidelines, 2015. Collection method: clinical testing. Allele origin: germline. Affected: yes. Not counted in ClinVar's aggregate classification.

National Health Laboratory Service, Universitas Academic Hospital and University of the Free State
Classification: Benign for Hereditary breast ovarian cancer syndrome. Last evaluated: 2022-04-19. Review status: criteria provided, single submitter. Criteria: ACMG Guidelines, 2015. Collection method: clinical testing. Allele origin: germline. Affected: yes. Observed: 23 variant alleles. Not counted in ClinVar's aggregate classification.

Fulgent Genetics
Classification: Benign for Familial cancer of breast; Breast-ovarian cancer, familial, susceptibility to, 1; Pancreatic cancer, susceptibility to, 4; Fanconi anemia, complementation group S. Last evaluated: 2022-03-23. Review status: criteria provided, single submitter. Criteria: ACMG Guidelines, 2015. Collection method: clinical testing. Allele origin: unknown. Not counted in ClinVar's aggregate classification.

Genetics Program, Instituto Nacional de Cancer
Classification: Benign for Hereditary breast ovarian cancer syndrome. Last evaluated: 2021-11-01. Review status: criteria provided, single submitter. Criteria: ACMG Guidelines, 2015. Collection method: research. Allele origin: germline. Affected: yes. Not counted in ClinVar's aggregate classification.

Genomic Research Center, Shahid Beheshti University of Medical Sciences
Classification: Benign for Breast-ovarian cancer, familial 1. Last evaluated: 2020-05-03. Review status: criteria provided, single submitter. Criteria: ACMG Guidelines, 2015. Collection method: clinical testing. Allele origin: unknown. Affected: yes. Not counted in ClinVar's aggregate classification.

Sema4
Classification: Benign for Hereditary cancer-predisposing syndrome. Last evaluated: 2020-01-29. Review status: criteria provided, single submitter. Criteria: Sema4 Curation Guidelines. Collection method: curation. Allele origin: germline. Not counted in ClinVar's aggregate classification.

Institute of Human Genetics, University of Leipzig Medical Center
Classification: Benign for Breast-ovarian cancer, familial, susceptibility to, 1. Last evaluated: 2019-01-01. Review status: criteria provided, single submitter. Criteria: ACMG Guidelines, 2015. Collection method: clinical testing. Allele origin: unknown. Affected: yes. Not counted in ClinVar's aggregate classification.

Illumina Laboratory Services, Illumina
Classification: Benign for Breast-ovarian cancer, familial, susceptibility to, 1. Last evaluated: 2018-03-06. Review status: criteria provided, single submitter. Criteria: ICSL Variant Classification Criteria 13 December 2019. Collection method: clinical testing. Allele origin: germline. Not counted in ClinVar's aggregate classification.
Comment: This variant was observed in the ICSL laboratory as part of a predisposition screen in an ostensibly healthy population. It had not been previously curated by ICSL or reported in the Human Gene Mutation Database (HGMD: prior to June 1st, 2018), and was therefore a candidate for classification through an automated scoring system. Utilizing variant allele frequency, disease prevalence and penetrance estimates, and inheritance mode, an automated score was calculated to assess if this variant is too frequent to cause the disease. Based on the score and internal cut-off values, a variant classified as benign is not then subjected to further curation. The score for this variant resulted in a classification of benign for this disease.

NM_007294.4(BRCA1):c.1067A>G (p.Gln356Arg)

Gene: BRCA1 (BRCA1 DNA repair associated; minus strand). Cytogenetic location: 17q21.31.
Variant type: single nucleotide variant.
Coding change: c.1067A>G on transcript NM_007294.4 (MANE Select); coding-DNA position 1067, A replaced by G.
Protein change: p.Gln356Arg; replaces glutamine 356 with arginine.
Molecular consequence: missense variant. On other transcripts: intron variant (137).
Genome position (GRCh38, 1-based): chr17:43,094,464, T>C on the plus strand (A>G on the coding strand, the complement: BRCA1 is on the minus strand). VCF-style: chr17-43094464-T-C. GRCh37 (hg19) VCF-style: chr17-41246481-T-C.
Other names: p.Q356R:CAG>CGG; 1186A>G; c.1067A>G, p.Gln356Arg (NM_001407603.1, NM_001407605.1, NM_001407616.1 and 30 more transcripts); c.1064A>G, p.Gln355Arg (NM_001407610.1, NM_001407611.1, NM_001407612.1 and 22 more transcripts); c.1058A>G, p.Gln353Arg (NM_001407647.1, NM_001407646.1); c.944A>G, p.Gln315Arg (NM_001407648.1, NM_001407668.1, NM_001407669.1 and 19 more transcripts); c.941A>G, p.Gln314Arg (NM_001407649.1, NM_001407670.1, NM_001407671.1 and 11 more transcripts); c.989A>G, p.Gln330Arg (NM_001407653.1, NM_001407654.1, NM_001407655.1 and 4 more transcripts); and 42 more; short protein forms Q356R, Q309R, Q314R, Q315R, Q353R, Q244R, Q268R, Q288R.
Identifiers: ClinVar variation 41803 (VCV000041803.109), dbSNP rs1799950, ClinGen allele CA000712.